The following is an entry in ClinVar:

ClinVar aggregate classification (germline): Uncertain significance (1 of 4 stars; one submission).

Conditions:
Early-onset Parkinson disease 20. Also called: PARKINSON DISEASE 20, AUTOSOMAL RECESSIVE EARLY-ONSET. Identifiers: Orphanet 391411, MedGen C3809824, MONDO:0014233, OMIM 615530.
Developmental and epileptic encephalopathy, 53. Also called: Epileptic encephalopathy, early infantile, 53. Identifiers: MedGen C4479313, MONDO:0033362, OMIM 617389.

Submission:

Labcorp Genetics (formerly Invitae), Labcorp
Classification: Uncertain significance for Developmental and epileptic encephalopathy, 53; Early-onset Parkinson disease 20. Last evaluated: 2025-08-06. Review status: criteria provided, single submitter. Criteria: Invitae Variant Classification Sherloc (09022015). Collection method: clinical testing. Allele origin: germline.
Comment: This sequence change replaces serine, which is neutral and polar, with glycine, which is neutral and non-polar, at codon 941 of the SYNJ1 protein (p.Ser941Gly). This variant is not present in population databases (gnomAD no frequency). This variant has not been reported in the literature in individuals affected with SYNJ1-related conditions. ClinVar contains an entry for this variant (Variation ID: 2938315). Invitae Evidence Modeling of protein sequence and biophysical properties (such as structural, functional, and spatial information, amino acid conservation, physicochemical variation, residue mobility, and thermodynamic stability) indicates that this missense variant is not expected to disrupt SYNJ1 protein function with a negative predictive value of 80%. In summary, the available evidence is currently insufficient to determine the role of this variant in disease. Therefore, it has been classified as a Variant of Uncertain Significance.

NM_203446.3(SYNJ1):c.2704A>G (p.Ser902Gly)

Gene: SYNJ1 (synaptojanin 1; minus strand). Cytogenetic location: 21q22.11.
Variant type: single nucleotide variant.
Coding change: c.2704A>G on transcript NM_203446.3 (MANE Select); coding-DNA position 2704, A replaced by G.
Protein change: p.Ser902Gly; replaces serine 902 with glycine.
Molecular consequence: missense variant.
Genome position (GRCh38, 1-based): chr21:32,656,778, T>C on the plus strand (A>G on the coding strand, the complement: SYNJ1 is on the minus strand). VCF-style: chr21-32656778-T-C. GRCh37 (hg19) VCF-style: chr21-34029088-T-C.
Other names: c.2704A>G, p.Ser902Gly (NM_001160302.2); c.2689A>G, p.Ser897Gly (NM_001160306.2); c.2821A>G, p.Ser941Gly (NM_003895.4); short protein forms S897G, S902G, S941G.
Identifiers: ClinVar variation 2938315 (VCV002938315.3), dbSNP rs2517529441, ClinGen allele CA410073611.